The following is an entry in ClinVar:

ClinVar aggregate classification (germline): Uncertain significance (1 of 4 stars; one submission).

gnomAD v4.1: 1 of 1,613,468 alleles (0.000062%); highest among the groups gnomAD compares: Non-Finnish European, 0.000085%; no homozygotes.

Submission:

GeneDx
Classification: Uncertain significance. Last evaluated: 2023-12-06. Review status: criteria provided, single submitter. Criteria: GeneDx Variant Classification Process June 2021. Collection method: clinical testing. Allele origin: germline. Affected: yes.
Comment: Not observed at significant frequency in large population cohorts (gnomAD); In silico analysis supports that this missense variant has a deleterious effect on protein structure/function; Has not been previously published as pathogenic or benign to our knowledge

NM_001134407.3(GRIN2A):c.1760A>T (p.Asn587Ile)

Gene: GRIN2A (glutamate ionotropic receptor NMDA type subunit 2A; minus strand). Cytogenetic location: 16p13.2.
Variant type: single nucleotide variant.
Coding change: c.1760A>T on transcript NM_001134407.3 (MANE Select); coding-DNA position 1760, A replaced by T.
Protein change: p.Asn587Ile; replaces asparagine 587 with isoleucine.
Molecular consequence: missense variant.
Genome position (GRCh38, 1-based): chr16:9,834,122, T>A on the plus strand (A>T on the coding strand, the complement: GRIN2A is on the minus strand). VCF-style: chr16-9834122-T-A. GRCh37 (hg19) VCF-style: chr16-9927979-T-A.
Other names: c.1760A>T, p.Asn587Ile (NM_000833.5, NM_001134408.2); short protein forms N587I.
Identifiers: ClinVar variation 3365128 (VCV003365128.1).